The following is an entry in ClinVar:

ClinVar aggregate classification (germline): Uncertain significance (1 of 4 stars; one submission).

Conditions:
Neurofibromatosis, type 1 (NF1). Also called: NEUROFIBROMATOSIS, TYPE I, SOMATIC; VON RECKLINGHAUSEN DISEASE; Peripheral type neurofibromatosis; Neurofibromatosis, type I. Identifiers: Orphanet 636, MedGen C0027831, MONDO:0018975, OMIM 162200. Disease mechanism: loss of function.

Submission:

Labcorp Genetics (formerly Invitae), Labcorp
Classification: Uncertain significance for Neurofibromatosis, type 1. Last evaluated: 2020-12-02. Review status: criteria provided, single submitter. Criteria: Invitae Variant Classification Sherloc (09022015). Collection method: clinical testing. Allele origin: germline.
Comment: In summary, the available evidence is currently insufficient to determine the role of this variant in disease. Therefore, it has been classified as a Variant of Uncertain Significance. Advanced modeling of protein sequence and biophysical properties (such as structural, functional, and spatial information, amino acid conservation, physicochemical variation, residue mobility, and thermodynamic stability) performed at Invitae indicates that this missense variant is expected to disrupt NF1 protein function. This variant has not been reported in the literature in individuals with NF1-related conditions. This variant is not present in population databases (ExAC no frequency). This sequence change replaces cysteine with serine at codon 2257 of the NF1 protein (p.Cys2257Ser). The cysteine residue is moderately conserved and there is a moderate physicochemical difference between cysteine and serine.

NM_001042492.3(NF1):c.6832T>A (p.Cys2278Ser)

Gene: NF1 (neurofibromin 1; plus strand). Cytogenetic location: 17q11.2.
Variant type: single nucleotide variant.
Coding change: c.6832T>A on transcript NM_001042492.3 (MANE Select); coding-DNA position 6832, T replaced by A.
Protein change: p.Cys2278Ser; replaces cysteine 2278 with serine.
Molecular consequence: missense variant.
Genome position (GRCh38, 1-based): chr17:31,338,716, T>A. VCF-style: chr17-31338716-T-A. GRCh37 (hg19) VCF-style: chr17-29665734-T-A.
Other names: c.6769T>A, p.Cys2257Ser (NM_000267.4); short protein forms C2257S, C2278S.
Identifiers: ClinVar variation 1464293 (VCV001464293.8), dbSNP rs2069742802, ClinGen allele CA399014265.